The following is an entry in ClinVar:

ClinVar aggregate classification (germline): Conflicting classifications of pathogenicity. Review status: criteria provided, conflicting classifications (1 of 4 stars). 2 submissions from 2 submitters: Uncertain significance (1); Likely benign (1). Last evaluated 2024-03-06.

Conditions:
Hereditary cancer-predisposing syndrome. Also called: Tumor predisposition; Hereditary Cancer Syndrome; Neoplastic Syndromes, Hereditary; Hereditary neoplastic syndrome. Identifiers: Orphanet 140162, MedGen C0027672, MeSH D009386, MONDO:0015356.

Allele frequency attached by ClinVar (database versions not stated): gnomAD exomes below 0.00001; ExAC 0.00001.
gnomAD v4.1: 1 of 1,613,260 alleles (0.000062%); highest among the groups gnomAD compares: South Asian, 0.0011%; no homozygotes.

Submissions (2):

Color Diagnostics, LLC DBA Color Health
Classification: Uncertain significance for Hereditary cancer-predisposing syndrome. Last evaluated: 2024-03-06. Review status: criteria provided, single submitter. Criteria: ACMG Guidelines, 2015. Collection method: clinical testing. Allele origin: germline.
Comment: This missense variant replaces alanine with valine at codon 980 of the BRIP1 protein. Computational prediction suggests that this variant may not impact protein structure and function (internally defined REVEL score threshold <= 0.5, PMID: 27666373). To our knowledge, functional studies have not been reported for this variant. This variant has not been reported in individuals affected with hereditary cancer in the literature. This variant has been identified in 1/250590 chromosomes in the general population by the Genome Aggregation Database (gnomAD). The available evidence is insufficient to determine the role of this variant in disease conclusively. Therefore, this variant is classified as a Variant of Uncertain Significance.

Ambry Genetics
Classification: Likely benign for Hereditary cancer-predisposing syndrome. Last evaluated: 2024-02-15. Review status: criteria provided, single submitter. Criteria: Ambry Variant Classification Scheme 2023. Collection method: clinical testing. Allele origin: germline.

NM_032043.3(BRIP1):c.2939C>T (p.Ala980Val)

Gene: BRIP1 (BRCA1 interacting DNA helicase 1; minus strand). Cytogenetic location: 17q23.2.
Variant type: single nucleotide variant.
Coding change: c.2939C>T on transcript NM_032043.3 (MANE Select); coding-DNA position 2939, C replaced by T.
Protein change: p.Ala980Val; replaces alanine 980 with valine.
Molecular consequence: missense variant.
Genome position (GRCh38, 1-based): chr17:61,684,107, G>A on the plus strand (C>T on the coding strand, the complement: BRIP1 is on the minus strand). VCF-style: chr17-61684107-G-A. GRCh37 (hg19) VCF-style: chr17-59761468-G-A.
Other names: short protein forms A980V.
Identifiers: ClinVar variation 1332313 (VCV001332313.4), dbSNP rs781622986, ClinGen allele CA8690421.